The following is an entry in ClinVar:

NM_006767.4(LZTR1):c.236C>A (p.Ala79Asp)

Gene: LZTR1 (leucine zipper like post translational regulator 1; plus strand). Cytogenetic location: 22q11.21.
Variant type: single nucleotide variant.
Coding change: c.236C>A on transcript NM_006767.4 (MANE Select); coding-DNA position 236, C replaced by A.
Protein change: p.Ala79Asp; replaces alanine 79 with aspartic acid.
Molecular consequence: missense variant.
Genome position (GRCh38, 1-based): chr22:20,983,062, C>A. VCF-style: chr22-20983062-C-A. GRCh37 (hg19) VCF-style: chr22-21337351-C-A.
Other names: short protein forms A79D.
Identifiers: ClinVar variation 2186854 (VCV002186854.4), dbSNP rs2518608623, ClinGen allele CA410778362.

ClinVar aggregate classification (germline): Uncertain significance (1 of 4 stars; one submission).

Submission:

Labcorp Genetics (formerly Invitae), Labcorp
Classification: Uncertain significance. Last evaluated: 2022-09-23. Review status: criteria provided, single submitter. Criteria: Invitae Variant Classification Sherloc (09022015). Collection method: clinical testing. Allele origin: germline.
Comment: This sequence change replaces alanine, which is neutral and non-polar, with aspartic acid, which is acidic and polar, at codon 79 of the LZTR1 protein (p.Ala79Asp). This variant is not present in population databases (gnomAD no frequency). This variant has not been reported in the literature in individuals affected with LZTR1-related conditions. Advanced modeling of protein sequence and biophysical properties (such as structural, functional, and spatial information, amino acid conservation, physicochemical variation, residue mobility, and thermodynamic stability) performed at Invitae indicates that this missense variant is not expected to disrupt LZTR1 protein function. In summary, the available evidence is currently insufficient to determine the role of this variant in disease. Therefore, it has been classified as a Variant of Uncertain Significance.